The following is an entry in ClinVar:

ClinVar aggregate classification (germline): Uncertain significance (1 of 4 stars; one submission).

Conditions:
Ehlers-Danlos syndrome, dermatosparaxis type. Also called: EDS VIIC; Ehlers-Danlos syndrome, type VII, autosomal recessive; Dermatosparaxis. Identifiers: Orphanet 1901, MedGen C2700425, MONDO:0009161, OMIM 225410.

Submission:

Labcorp Genetics (formerly Invitae), Labcorp
Classification: Uncertain significance for Ehlers-Danlos syndrome, dermatosparaxis type. Last evaluated: 2021-11-07. Review status: criteria provided, single submitter. Criteria: Invitae Variant Classification Sherloc (09022015). Collection method: clinical testing. Allele origin: germline.
Comment: In summary, the available evidence is currently insufficient to determine the role of this variant in disease. Therefore, it has been classified as a Variant of Uncertain Significance. Algorithms developed to predict the effect of missense changes on protein structure and function are either unavailable or do not agree on the potential impact of this missense change (SIFT: "Deleterious"; PolyPhen-2: "Probably Damaging"; Align-GVGD: "Class C15"). This sequence change replaces leucine, which is neutral and non-polar, with phenylalanine, which is neutral and non-polar, at codon 609 of the ADAMTS2 protein (p.Leu609Phe). This variant is not present in population databases (gnomAD no frequency). This variant has not been reported in the literature in individuals affected with ADAMTS2-related conditions.

NM_014244.5(ADAMTS2):c.1825C>T (p.Leu609Phe)

Gene: ADAMTS2 (ADAM metallopeptidase with thrombospondin type 1 motif 2; minus strand). Cytogenetic location: 5q35.3.
Variant type: single nucleotide variant.
Coding change: c.1825C>T on transcript NM_014244.5 (MANE Select); coding-DNA position 1825, C replaced by T.
Protein change: p.Leu609Phe; replaces leucine 609 with phenylalanine.
Molecular consequence: missense variant.
Genome position (GRCh38, 1-based): chr5:179,137,895, G>A on the plus strand (C>T on the coding strand, the complement: ADAMTS2 is on the minus strand). VCF-style: chr5-179137895-G-A. GRCh37 (hg19) VCF-style: chr5-178564896-G-A.
Other names: short protein forms L609F.
Identifiers: ClinVar variation 1407022 (VCV001407022.8), dbSNP rs757961083, ClinGen allele CA3595769.
Genomic context (GRCh38, chr5:179,137,895, plus strand): 5'-GGCGGCACTGCTCCTCGCGGAAGTCAGCCAGGGAGTCGGGGCAGTCCTGGCGGCTGCAGA[G>A]CTGGAAGTCGTAGGCAAGGCCCGAGCAGGTGCGGCCCCCGTTGGCCGGGCTGGAGGAGAA-3'
Protein context (NP_055059.2, residues 599-619): TCSGLAYDFQ[Leu609Phe]CSRQDCPDSL